The following is an entry in ClinVar:

NM_198525.3(KIF7):c.1788+1G>A

Gene: KIF7 (kinesin family member 7; minus strand). Cytogenetic location: 15q26.1.
Variant type: single nucleotide variant.
Coding change: c.1788+1G>A on transcript NM_198525.3 (MANE Select); the canonical splice donor site of the intron after coding-DNA position 1788, G replaced by A.
Molecular consequence: splice donor variant.
Genome position (GRCh38, 1-based): chr15:89,646,829, C>T on the plus strand (G>A on the coding strand, the complement: KIF7 is on the minus strand). VCF-style: chr15-89646829-C-T. GRCh37 (hg19) VCF-style: chr15-90190060-C-T.
Identifiers: ClinVar variation 3380325 (VCV003380325.1).

ClinVar aggregate classification (germline): Uncertain significance (1 of 4 stars; one submission).

Submission:

Mayo Clinic Laboratories, Mayo Clinic
Classification: Uncertain significance. Last evaluated: 2024-06-07. Review status: criteria provided, single submitter. Criteria: ACMG Guidelines, 2015. Collection method: clinical testing. Allele origin: germline. Observed: 1 variant allele.
Comment: PM2, PVS1_moderate

Literature cited by the submitters: PubMed 21633164.